The following is an entry in ClinVar:

ClinVar aggregate classification (germline): Uncertain significance (1 of 4 stars; one submission).

gnomAD v4.1: 1 of 1,613,876 alleles (0.000062%); highest among the groups gnomAD compares: Non-Finnish European, 0.000085%; no homozygotes.

Submission:

Ambry Genetics
Classification: Uncertain significance. Last evaluated: 2021-12-11. Review status: criteria provided, single submitter. Criteria: Ambry Variant Classification Scheme 2023. Collection method: clinical testing. Allele origin: germline.
Comment: The p.F117V variant (also known as c.349T>G), located in coding exon 4 of the NQO1 gene, results from a T to G substitution at nucleotide position 349. The phenylalanine at codon 117 is replaced by valine, an amino acid with highly similar properties. This amino acid position is conserved. In addition, this alteration is predicted to be tolerated by in silico analysis. Since supporting evidence is limited at this time, the clinical significance of this alteration remains unclear.

NM_000903.3(NQO1):c.349T>G (p.Phe117Val)

Gene: NQO1 (NAD(P)H quinone dehydrogenase 1; minus strand). Cytogenetic location: 16q22.1.
Variant type: single nucleotide variant.
Coding change: c.349T>G on transcript NM_000903.3 (MANE Select); coding-DNA position 349, T replaced by G.
Protein change: p.Phe117Val; replaces phenylalanine 117 with valine.
Molecular consequence: missense variant. On other transcripts: intron variant (2).
Genome position (GRCh38, 1-based): chr16:69,715,032, A>C on the plus strand (T>G on the coding strand, the complement: NQO1 is on the minus strand). VCF-style: chr16-69715032-A-C. GRCh37 (hg19) VCF-style: chr16-69748935-A-C.
Other names: c.349T>G, p.Phe117Val (NM_001025433.2); c.303+3091T>G (NM_001286137.2); c.304-1903T>G (NM_001025434.2); short protein forms F117V.
Identifiers: ClinVar variation 1732037 (VCV001732037.2), dbSNP rs2038095202, ClinGen allele CA396488933.